The following is an entry in ClinVar:

ClinVar aggregate classification (germline): Uncertain significance. Review status: criteria provided, multiple submitters, no conflicts (2 of 4 stars). 2 submissions from 2 submitters: Uncertain significance (2). Last evaluated 2025-07-18.

Conditions:
Hereditary cancer-predisposing syndrome. Also called: Neoplastic Syndromes, Hereditary; Tumor predisposition; Hereditary Cancer Syndrome; Hereditary neoplastic syndrome. Identifiers: Orphanet 140162, MedGen C0027672, MeSH D009386, MONDO:0015356.
DICER1-related tumor predisposition. Also called: DICER1 syndrome; DICER1-related pleuropulmonary blastoma cancer predisposition syndrome. Identifiers: Orphanet 284343, MedGen C3839822, MONDO:0100216.

gnomAD v4.1: 1 of 1,614,084 alleles (0.000062%); highest among the groups gnomAD compares: Non-Finnish European, 0.000085%; no homozygotes.

Submissions (2):

Ambry Genetics
Classification: Uncertain significance for Hereditary cancer-predisposing syndrome. Last evaluated: 2025-07-18. Review status: criteria provided, single submitter. Criteria: Ambry Variant Classification Scheme 2023. Collection method: clinical testing. Allele origin: germline.
Comment: The p.S1473L variant (also known as c.4418C>T), located in coding exon 22 of the DICER1 gene, results from a C to T substitution at nucleotide position 4418. The serine at codon 1473 is replaced by leucine, an amino acid with dissimilar properties. This amino acid position is conserved. In addition, the in silico prediction for this alteration is inconclusive. Based on the available evidence, the clinical significance of this variant remains unclear.

Labcorp Genetics (formerly Invitae), Labcorp
Classification: Uncertain significance for DICER1-related tumor predisposition. Last evaluated: 2025-06-22. Review status: criteria provided, single submitter. Criteria: Invitae Variant Classification Sherloc (09022015). Collection method: clinical testing. Allele origin: germline.
Comment: This sequence change replaces serine, which is neutral and polar, with leucine, which is neutral and non-polar, at codon 1473 of the DICER1 protein (p.Ser1473Leu). This variant is not present in population databases (gnomAD no frequency). This variant has not been reported in the literature in individuals affected with DICER1-related conditions. Invitae Evidence Modeling of protein sequence and biophysical properties (such as structural, functional, and spatial information, amino acid conservation, physicochemical variation, residue mobility, and thermodynamic stability) indicates that this missense variant is not expected to disrupt DICER1 protein function with a negative predictive value of 95%. In summary, the available evidence is currently insufficient to determine the role of this variant in disease. Therefore, it has been classified as a Variant of Uncertain Significance.

NM_177438.3(DICER1):c.4418C>T (p.Ser1473Leu)

Gene: DICER1 (dicer 1, ribonuclease III; minus strand). Cytogenetic location: 14q32.13.
Variant type: single nucleotide variant.
Coding change: c.4418C>T on transcript NM_177438.3 (MANE Select); coding-DNA position 4418, C replaced by T.
Protein change: p.Ser1473Leu; replaces serine 1473 with leucine.
Molecular consequence: missense variant. On other transcripts: non-coding transcript variant (6).
Genome position (GRCh38, 1-based): chr14:95,096,502, G>A on the plus strand (C>T on the coding strand, the complement: DICER1 is on the minus strand). VCF-style: chr14-95096502-G-A. GRCh37 (hg19) VCF-style: chr14-95562839-G-A.
Other names: c.4418C>T, p.Ser1473Leu (NM_001195573.1, NM_001271282.3, NM_001291628.2 and 12 more transcripts); c.4136C>T, p.Ser1379Leu (NM_001395686.1); c.4013C>T, p.Ser1338Leu (NM_001395687.1, NM_001395688.1, NM_001395689.1 and 2 more transcripts); c.3851C>T, p.Ser1284Leu (NM_001395691.1); c.2735C>T, p.Ser912Leu (NM_001395697.1); short protein forms S1284L, S1379L, S1338L, S912L, S1473L.
Identifiers: ClinVar variation 4240504 (VCV004240504.2).
Genomic context (GRCh38, chr14:95,096,502, plus strand): 5'-GGCATACTACCTAAGGAGGATTTTTTGGGCATTTTCCATTCATATGCAGAATCAGTGGTT[G>A]AAAAAGGAGAAAGAGAGATTTTCTTTACAAAAGCTCCTGACCCCATTAACATATTATCTA-3'
Protein context (NP_803187.1, residues 1463-1483): FVKKISLSPF[Ser1473Leu]TTDSAYEWKM